The following is an entry in ClinVar:

NM_001360.3(DHCR7):c.808A>G (p.Met270Val)

Gene: DHCR7 (7-dehydrocholesterol reductase; minus strand). Cytogenetic location: 11q13.4.
Variant type: single nucleotide variant.
Coding change: c.808A>G on transcript NM_001360.3 (MANE Select); coding-DNA position 808, A replaced by G.
Protein change: p.Met270Val; replaces methionine 270 with valine.
Molecular consequence: missense variant.
Genome position (GRCh38, 1-based): chr11:71,438,902, T>C on the plus strand (A>G on the coding strand, the complement: DHCR7 is on the minus strand). VCF-style: chr11-71438902-T-C. GRCh37 (hg19) VCF-style: chr11-71149948-T-C.
Other names: c.808A>G, p.Met270Val (NM_001163817.2); short protein forms M270V.
Identifiers: ClinVar variation 556307 (VCV000556307.10), dbSNP rs1555146021, ClinGen allele CA381703233.

ClinVar aggregate classification (germline): Conflicting classifications of pathogenicity. Review status: criteria provided, conflicting classifications (1 of 4 stars). 5 submissions from 5 submitters: Pathogenic (1); Likely pathogenic (2); Uncertain significance (1). 1 of the submissions does not count toward it. Last evaluated 2025-11-10.

Conditions:
Smith-Lemli-Opitz syndrome (SLOS). Also called: 7-Dehydrocholesterol reductase deficiency; LETHAL ACRODYSGENITAL SYNDROME; POLYDACTYLY, SEX REVERSAL, RENAL HYPOPLASIA, AND UNILOBAR LUNG; RSH SYNDROME; RUTLEDGE LETHAL MULTIPLE CONGENITAL ANOMALY SYNDROME. Identifiers: Orphanet 818, MedGen C0175694, MONDO:0010035, OMIM 270400.

Allele frequency attached by ClinVar (database versions not stated): gnomAD exomes below 0.00001.

Submissions (5):

Myriad Genetics, Inc.
Classification: Uncertain significance for Smith-Lemli-Opitz syndrome. Last evaluated: 2025-11-10. Review status: criteria provided, single submitter. Criteria: Myriad Autosomal Dominant, Autosomal Recessive and X-Linked Classification Criteria (2023). Collection method: clinical testing. Allele origin: unknown.
Comment: NM_001360.2(DHCR7):c.808A>G(M270V) is a missense variant classified as a variant of uncertain significance in the context of Smith-Lemli-Opitz syndrome. M270V has been observed in cases with relevant disease (PMID: 15521979, 38218159). Relevant functional assessments of this variant are not available in the literature. M270V has not been observed in referenced population frequency databases. In summary, there is insufficient evidence to classify NM_001360.2(DHCR7):c.808A>G(M270V) as pathogenic or benign. Please note: this variant was assessed in the context of healthy population screening.

Natera, Inc.
Classification: Likely pathogenic for Smith-Lemli-Opitz syndrome. Last evaluated: 2025-08-15. Review status: criteria provided, single submitter. Criteria: Natera Variant Classification Schema (03/2026). Collection method: clinical testing. Allele origin: germline.
Comment: The c.808A>G variant in DHCR7 is a missense variant predicted to cause substitution of methionine to valine at amino acid 270. This variant is rare in the general population with a frequency below the threshold expected for the associated phenotype(s). This variant has been observed in one or more individuals affected with the associated recessive disease, as either homozygous or compound heterozygous with a second variant (PMID: 33249554, 15521979). Computational prediction algorithms indicate this variant is likely to affect gene or protein function. Given the available evidence, this variant is classified as Likely Pathogenic.

Baylor Genetics
Classification: Likely pathogenic for Smith-Lemli-Opitz syndrome. Last evaluated: 2023-10-03. Review status: criteria provided, single submitter. Criteria: ACMG Guidelines, 2015. Collection method: clinical testing. Allele origin: unknown.

Labcorp Genetics (formerly Invitae), Labcorp
Classification: Pathogenic for Smith-Lemli-Opitz syndrome. Last evaluated: 2023-09-12. Review status: criteria provided, single submitter. Criteria: Invitae Variant Classification Sherloc (09022015). Collection method: clinical testing. Allele origin: germline.
Comment: This missense change has been observed in individual(s) with Smith-Lemli-Opitz syndrome (PMID: 18249054). In at least one individual the data is consistent with being in trans (on the opposite chromosome) from a pathogenic variant. For these reasons, this variant has been classified as Pathogenic. Advanced modeling of protein sequence and biophysical properties (such as structural, functional, and spatial information, amino acid conservation, physicochemical variation, residue mobility, and thermodynamic stability) performed at Invitae indicates that this missense variant is expected to disrupt DHCR7 protein function. ClinVar contains an entry for this variant (Variation ID: 556307). This variant is not present in population databases (gnomAD no frequency). This sequence change replaces methionine, which is neutral and non-polar, with valine, which is neutral and non-polar, at codon 270 of the DHCR7 protein (p.Met270Val).

Counsyl
Classification: Uncertain significance for Smith-Lemli-Opitz syndrome. Last evaluated: 2018-01-24. Review status: no assertion criteria provided. Collection method: clinical testing. Allele origin: unknown. Not counted in ClinVar's aggregate classification.

Literature cited by the submitters: PubMed 15521979 (cited by 3 submitters); PubMed 38218159 (cited by Myriad Genetics, Inc.); PubMed 33249554 (cited by Natera, Inc.); PubMed 18249054 (cited by Labcorp Genetics (formerly Invitae), Labcorp); PubMed 11241839 (cited by Counsyl).